The following is an entry in ClinVar:

ClinVar aggregate classification (germline): Benign (0 of 4 stars; one submission).

Conditions:
MAP4-related disorder. Also called: MAP4-related condition.

Allele frequency attached by ClinVar (database versions not stated): 1000 Genomes Project 0.02915; 1000 Genomes Project 30x 0.03107; TOPMed 0.04432; gnomAD 0.04677; ExAC 0.05465; ESP Exome Variant Server 0.05736; gnomAD exomes 0.06855.
gnomAD v4.1: 106,801 of 1,613,960 alleles (6.6%); highest among the groups gnomAD compares: Middle Eastern, 8.7%; 4,031 homozygotes.

Submission:

PreventionGenetics, part of Exact Sciences
Classification: Benign for MAP4-related condition. Last evaluated: 2019-12-04. Review status: no assertion criteria provided. Collection method: clinical testing. Allele origin: germline.
Comment: This variant is classified as benign based on ACMG/AMP sequence variant interpretation guidelines (Richards et al. 2015 PMID: 25741868, with internal and published modifications).

NM_001385682.1(MAP4):c.68G>A (p.Arg23Gln)

Gene: MAP4 (microtubule associated protein 4; minus strand). Cytogenetic location: 3p21.31.
Variant type: single nucleotide variant.
Coding change: c.68G>A on transcript NM_001385682.1 (MANE Select); coding-DNA position 68, G replaced by A.
Protein change: p.Arg23Gln; replaces arginine 23 with glutamine.
Molecular consequence: missense variant. On other transcripts: intron variant (4).
Genome position (GRCh38, 1-based): chr3:47,998,793, C>T on the plus strand (G>A on the coding strand, the complement: MAP4 is on the minus strand). VCF-style: chr3-47998793-C-T. GRCh37 (hg19) VCF-style: chr3-48040283-C-T.
Other names: c.68G>A, p.Arg23Gln (NM_001134364.2, NM_001384675.1, NM_001384676.1 and 137 more transcripts); c.-98-20860G>A (NM_001384862.1, NM_001384845.1, NM_001384867.1 and 1 more transcripts); short protein forms R23Q.
Identifiers: ClinVar variation 3056736 (VCV003056736.2), dbSNP rs11711953, ClinGen allele CA2371776.